The following is an entry in ClinVar:

ClinVar aggregate classification (germline): Uncertain significance. Review status: criteria provided, multiple submitters, no conflicts (2 of 4 stars). 2 submissions from 2 submitters: Uncertain significance (2). Last evaluated 2024-12-27.

Conditions:
Dilated cardiomyopathy 1DD (CMD1DD). Identifiers: Orphanet 154, MedGen C2750995, MONDO:0013168, OMIM 613172.
Cardiovascular phenotype. Identifiers: MedGen CN230736.

Allele frequency attached by ClinVar (database versions not stated): TOPMed below 0.00001.

Submissions (2):

Labcorp Genetics (formerly Invitae), Labcorp
Classification: Uncertain significance for Dilated cardiomyopathy 1DD. Last evaluated: 2024-12-27. Review status: criteria provided, single submitter. Criteria: Invitae Variant Classification Sherloc (09022015). Collection method: clinical testing. Allele origin: germline.
Comment: This sequence change replaces threonine, which is neutral and polar, with isoleucine, which is neutral and non-polar, at codon 111 of the RBM20 protein (p.Thr111Ile). This variant is not present in population databases (gnomAD no frequency). This variant has not been reported in the literature in individuals affected with RBM20-related conditions. ClinVar contains an entry for this variant (Variation ID: 3013967). Invitae Evidence Modeling of protein sequence and biophysical properties (such as structural, functional, and spatial information, amino acid conservation, physicochemical variation, residue mobility, and thermodynamic stability) indicates that this missense variant is not expected to disrupt RBM20 protein function with a negative predictive value of 95%. In summary, the available evidence is currently insufficient to determine the role of this variant in disease. Therefore, it has been classified as a Variant of Uncertain Significance.

Ambry Genetics
Classification: Uncertain significance for Cardiovascular phenotype. Last evaluated: 2024-04-12. Review status: criteria provided, single submitter. Criteria: Ambry Variant Classification Scheme 2023. Collection method: clinical testing. Allele origin: germline.
Comment: The p.T111I variant (also known as c.332C>T), located in coding exon 2 of the RBM20 gene, results from a C to T substitution at nucleotide position 332. The threonine at codon 111 is replaced by isoleucine, an amino acid with similar properties. This amino acid position is conserved. In addition, this alteration is predicted to be deleterious by in silico analysis. Based on the available evidence, the clinical significance of this variant remains unclear.

NM_001134363.3(RBM20):c.332C>T (p.Thr111Ile)

Gene: RBM20 (RNA binding motif protein 20; plus strand). Cytogenetic location: 10q25.2.
Variant type: single nucleotide variant.
Coding change: c.332C>T on transcript NM_001134363.3 (MANE Select); coding-DNA position 332, C replaced by T.
Protein change: p.Thr111Ile; replaces threonine 111 with isoleucine.
Molecular consequence: missense variant.
Genome position (GRCh38, 1-based): chr10:110,780,941, C>T. VCF-style: chr10-110780941-C-T. GRCh37 (hg19) VCF-style: chr10-112540699-C-T.
Other names: short protein forms T111I.
Identifiers: ClinVar variation 3013967 (VCV003013967.4), dbSNP rs1010202196, ClinGen allele CA213234560.